The following is an entry in ClinVar:

NM_000138.5(FBN1):c.6038A>G (p.Asp2013Gly)

Gene: FBN1 (fibrillin 1; minus strand). Cytogenetic location: 15q21.1.
Variant type: single nucleotide variant.
Coding change: c.6038A>G on transcript NM_000138.5 (MANE Select); coding-DNA position 6038, A replaced by G.
Protein change: p.Asp2013Gly; replaces aspartic acid 2013 with glycine.
Molecular consequence: missense variant.
Genome position (GRCh38, 1-based): chr15:48,441,846, T>C on the plus strand (A>G on the coding strand, the complement: FBN1 is on the minus strand). VCF-style: chr15-48441846-T-C. GRCh37 (hg19) VCF-style: chr15-48734043-T-C.
Other names: c.6038A>G, p.Asp2013Gly (NM_001406716.1); short protein forms D2013G.
Identifiers: ClinVar variation 2952394 (VCV002952394.4), dbSNP rs869025410, ClinGen allele CA392338717.
Genomic context (GRCh38, chr15:48,441,846, plus strand): 5'-TCAGTGTTACTGCATGTGCCCAGGGCACAAATTTCTGGCTCTTCGACACACTCATCAATA[T>C]CTAAAAGAATCACATGAGTCAAACAAAGTCAAAACACGATGGAGACATCATCAGGTACCA-3'
Protein context (NP_000129.3, residues 2003-2023): GYSLQNEKCE[Asp2013Gly]IDECVEEPEI

ClinVar aggregate classification (germline): Uncertain significance. Review status: criteria provided, multiple submitters, no conflicts (2 of 4 stars). 2 submissions from 2 submitters: Uncertain significance (2). Last evaluated 2025-10-24.

Conditions:
Marfan syndrome (MFS). Also called: MARFAN SYNDROME, TYPE I; Marfan syndrome type 1; Marfan's syndrome; Marfan syndrome, classic; FBN1-Related Marfan Syndrome. Identifiers: Orphanet 284963, Orphanet 558, MedGen C0024796, MONDO:0007947, OMIM 154700.
Familial thoracic aortic aneurysm and aortic dissection (TAAD). Also called: Thoracic aortic aneurysms and dissections. Identifiers: Orphanet 91387, MedGen C4707243, MONDO:0019625.

Submissions (2):

Ambry Genetics
Classification: Uncertain significance for Familial thoracic aortic aneurysm and aortic dissection. Last evaluated: 2025-10-24. Review status: criteria provided, single submitter. Criteria: Ambry Variant Classification Scheme 2023. Collection method: clinical testing. Allele origin: germline.
Comment: The c.6038A>G (p.D2013G) alteration is located in exon 50 (coding exon 49) of the FBN1 gene. This alteration results from an A to G substitution at nucleotide position 6038, causing the aspartic acid (D) at amino acid position 2013 to be replaced by a glycine (G). This variant impacts thefirst base pair of exon 50 (coding exon 49). This variant was not reported in population-based cohorts in the Genome Aggregation Database (gnomAD). This variant was reported in individual(s) with features consistent with thoracic aortic disease (Yagyu, 2023). This amino acid position is highly conserved in available vertebrate species. This variant alters a conserved residue in the calcium-binding consensus sequence of a cbEGF domain and is expected to disrupt FBN1 function (Handford, 1991). This alteration is predicted to be deleterious by in silico analysis. Based on insufficient or conflicting evidence, the clinical significance of this alteration remains unclear.

Labcorp Genetics (formerly Invitae), Labcorp
Classification: Uncertain significance for Marfan syndrome; Familial thoracic aortic aneurysm and aortic dissection. Last evaluated: 2023-10-18. Review status: criteria provided, single submitter. Criteria: Invitae Variant Classification Sherloc (09022015). Collection method: clinical testing. Allele origin: germline.
Comment: This sequence change replaces aspartic acid, which is acidic and polar, with glycine, which is neutral and non-polar, at codon 2013 of the FBN1 protein (p.Asp2013Gly). This variant is not present in population databases (gnomAD no frequency). This missense change has been observed in individual(s) with clinical features of Marfan syndrome (Invitae). An algorithm developed to predict the effect of missense changes on protein structure and function (PolyPhen-2) suggests that this variant is likely to be disruptive. In summary, the available evidence is currently insufficient to determine the role of this variant in disease. Therefore, it has been classified as a Variant of Uncertain Significance.

Literature cited by the submitters: PubMed 2030732 (cited by Ambry Genetics); PubMed 37042257 (cited by Ambry Genetics).